The following is an entry in ClinVar:

NM_006019.4(TCIRG1):c.2119-10C>T

Gene: TCIRG1 (T cell immune regulator 1, ATPase H+ transporting V0 subunit a3; plus strand). Cytogenetic location: 11q13.2.
Variant type: single nucleotide variant.
Coding change: c.2119-10C>T on transcript NM_006019.4 (MANE Select); 10 bases into the intron before coding-DNA position 2119, C replaced by T.
Molecular consequence: intron variant.
Genome position (GRCh38, 1-based): chr11:68,050,127, C>T. VCF-style: chr11-68050127-C-T. GRCh37 (hg19) VCF-style: chr11-67817594-C-T.
Other names: c.1225-10C>T (NM_001351059.2); c.1471-10C>T (NM_006053.4).
Identifiers: ClinVar variation 499763 (VCV000499763.24), dbSNP rs377606178, ClinGen allele CA6147406.

ClinVar aggregate classification (germline): Conflicting classifications of pathogenicity. Review status: criteria provided, conflicting classifications (1 of 4 stars). 6 submissions from 6 submitters: Uncertain significance (2); Likely benign (2). 2 of the submissions do not count toward it. Last evaluated 2026-01-13.

Conditions:
Autosomal recessive osteopetrosis 1. Also called: ALBERS-SCHONBERG DISEASE, AUTOSOMAL RECESSIVE; TCIRG1-Related Autosomal Recessive Osteopetrosis; TCIRG1-Related Osteopetrosis. Identifiers: Orphanet 667, MedGen C1850127, MONDO:0009815, OMIM 259700.
TCIRG1-related disorder. Also called: TCIRG1-related condition.

Allele frequency attached by ClinVar (database versions not stated): gnomAD 0.00009; TOPMed 0.00009; ExAC 0.00010; ESP Exome Variant Server 0.00023.
gnomAD v4.1: 182 of 1,612,626 alleles (0.011%); highest among the groups gnomAD compares: Middle Eastern, 0.099%; 1 homozygote.

Submissions (6):

Labcorp Genetics (formerly Invitae), Labcorp
Classification: Likely benign. Last evaluated: 2026-01-13. Review status: criteria provided, single submitter. Criteria: Invitae Variant Classification Sherloc (09022015). Collection method: clinical testing. Allele origin: germline.

Blueprint Genetics
Classification: Likely benign. Last evaluated: 2022-08-04. Review status: criteria provided, single submitter. Criteria: ACMG Guidelines, 2015. Collection method: clinical testing. Allele origin: germline.

Illumina Laboratory Services, Illumina
Classification: Uncertain significance for Autosomal recessive osteopetrosis 1. Last evaluated: 2018-01-12. Review status: criteria provided, single submitter. Criteria: ICSL Variant Classification Criteria 13 December 2019. Collection method: clinical testing. Allele origin: germline.

Eurofins Ntd Llc (ga)
Classification: Uncertain significance. Last evaluated: 2017-01-24. Review status: criteria provided, single submitter. Criteria: EGL Classification Definitions 2015. Collection method: clinical testing. Allele origin: germline. Observed: 2 variant alleles, 2 heterozygotes.

PreventionGenetics, part of Exact Sciences
Classification: Likely benign for TCIRG1-related condition. Last evaluated: 2023-09-08. Review status: no assertion criteria provided. Collection method: clinical testing. Allele origin: germline. Not counted in ClinVar's aggregate classification.
Comment: This variant is classified as likely benign based on ACMG/AMP sequence variant interpretation guidelines (Richards et al. 2015 PMID: 25741868, with internal and published modifications).

Natera, Inc.
Classification: Uncertain significance for Infantile malignant osteopetrosis. Last evaluated: 2020-04-16. Review status: no assertion criteria provided. Collection method: clinical testing. Allele origin: germline. Not counted in ClinVar's aggregate classification.